The following is an entry in ClinVar:

ClinVar aggregate classification (germline): Uncertain significance. Review status: criteria provided, multiple submitters, no conflicts (2 of 4 stars). 2 submissions from 2 submitters: Uncertain significance (2). Last evaluated 2024-12-18.

Conditions:
Inborn genetic diseases. Identifiers: MedGen C0950123, MeSH D030342.

Allele frequency attached by ClinVar (database versions not stated): gnomAD 0.00001 and 0.00002; ExAC 0.00002; gnomAD exomes 0.00002 and 0.00003; TOPMed 0.00002; 1000 Genomes Project 30x 0.00016; 1000 Genomes Project 0.00020.
gnomAD v4.1: 46 of 1,613,820 alleles (0.0029%); highest among the groups gnomAD compares: Non-Finnish European, 0.0036%; no homozygotes.

Submissions (2):

Labcorp Genetics (formerly Invitae), Labcorp
Classification: Uncertain significance. Last evaluated: 2024-12-18. Review status: criteria provided, single submitter. Criteria: Invitae Variant Classification Sherloc (09022015). Collection method: clinical testing. Allele origin: germline.
Comment: This sequence change replaces isoleucine, which is neutral and non-polar, with valine, which is neutral and non-polar, at codon 132 of the RETREG1 protein (p.Ile132Val). This variant is present in population databases (rs200174704, gnomAD 0.004%). This variant has not been reported in the literature in individuals affected with RETREG1-related conditions. ClinVar contains an entry for this variant (Variation ID: 948784). An algorithm developed to predict the effect of missense changes on protein structure and function (PolyPhen-2) suggests that this variant is likely to be tolerated. In summary, the available evidence is currently insufficient to determine the role of this variant in disease. Therefore, it has been classified as a Variant of Uncertain Significance.

Ambry Genetics
Classification: Uncertain significance for Inborn genetic diseases. Last evaluated: 2022-09-14. Review status: criteria provided, single submitter. Criteria: Ambry Variant Classification Scheme 2023. Collection method: clinical testing. Allele origin: germline.

NM_001034850.3(RETREG1):c.394A>G (p.Ile132Val)

Gene: RETREG1 (reticulophagy regulator 1; minus strand). Cytogenetic location: 5p15.1.
Variant type: single nucleotide variant.
Coding change: c.394A>G on transcript NM_001034850.3 (MANE Select); coding-DNA position 394, A replaced by G.
Protein change: p.Ile132Val; replaces isoleucine 132 with valine.
Molecular consequence: missense variant.
Genome position (GRCh38, 1-based): chr5:16,572,029, T>C on the plus strand (A>G on the coding strand, the complement: RETREG1 is on the minus strand). VCF-style: chr5-16572029-T-C. GRCh37 (hg19) VCF-style: chr5-16572138-T-C.
Other names: c.394A>G (NM_001034850.1); short protein forms I132V.
Identifiers: ClinVar variation 948784 (VCV000948784.10), dbSNP rs200174704, ClinGen allele CA3210486.